The following is an entry in ClinVar:

ClinVar aggregate classification (germline): Uncertain significance (1 of 4 stars; one submission).

Submission:

Labcorp Genetics (formerly Invitae), Labcorp
Classification: Uncertain significance. Last evaluated: 2025-07-31. Review status: criteria provided, single submitter. Criteria: Invitae Variant Classification Sherloc (09022015). Collection method: clinical testing. Allele origin: germline.
Comment: This sequence change replaces alanine, which is neutral and non-polar, with threonine, which is neutral and polar, at codon 5 of the ZIC1 protein (p.Ala5Thr). The frequency data for this variant in the population databases is considered unreliable, as metrics indicate poor data quality at this position in the gnomAD database. This variant has not been reported in the literature in individuals affected with ZIC1-related conditions. An algorithm developed to predict the effect of missense changes on protein structure and function (PolyPhen-2) suggests that this variant is likely to be tolerated. In summary, the available evidence is currently insufficient to determine the role of this variant in disease. Therefore, it has been classified as a Variant of Uncertain Significance.

NM_003412.4(ZIC1):c.13G>A (p.Ala5Thr)

Gene: ZIC1 (Zic family zinc finger 1; plus strand). Cytogenetic location: 3q24.
Variant type: single nucleotide variant.
Coding change: c.13G>A on transcript NM_003412.4 (MANE Select); coding-DNA position 13, G replaced by A.
Protein change: p.Ala5Thr; replaces alanine 5 with threonine.
Molecular consequence: missense variant.
Genome position (GRCh38, 1-based): chr3:147,410,125, G>A. VCF-style: chr3-147410125-G-A. GRCh37 (hg19) VCF-style: chr3-147127912-G-A.
Other names: short protein forms A5T.
Identifiers: ClinVar variation 4698479 (VCV004698479.1).